The following is an entry in ClinVar:

NM_014264.5(PLK4):c.567C>T (p.Gly189=)

Gene: PLK4 (polo like kinase 4; plus strand). Cytogenetic location: 4q28.1.
Variant type: single nucleotide variant.
Coding change: c.567C>T on transcript NM_014264.5 (MANE Select); coding-DNA position 567, C replaced by T.
Protein change: p.Gly189=; no amino-acid change (glycine 189 retained).
Molecular consequence: synonymous variant.
Genome position (GRCh38, 1-based): chr4:127,885,937, C>T. VCF-style: chr4-127885937-C-T. GRCh37 (hg19) VCF-style: chr4-128807092-C-T.
Other names: c.471C>T, p.Gly157= (NM_001190799.2); c.444C>T, p.Gly148= (NM_001190801.2).
Identifiers: ClinVar variation 2655093 (VCV002655093.24), dbSNP rs977695267, ClinGen allele CA441375646.

ClinVar aggregate classification (germline): Likely benign (1 of 4 stars; one submission).

Submission:

CeGaT Center for Human Genetics Tuebingen
Classification: Likely benign. Last evaluated: 2023-09-01. Review status: criteria provided, single submitter. Criteria: CeGaT Center For Human Genetics Tuebingen Variant Classification Criteria Version 2. Collection method: clinical testing. Allele origin: germline. Affected: yes. Observed: 1 variant allele.
Comment: PLK4: PM2:Supporting, BP4, BP7